The following is an entry in ClinVar:

ClinVar aggregate classification (germline): Uncertain significance (1 of 4 stars; one submission).

gnomAD v4.1: 2 of 1,609,102 alleles (0.00012%); highest among the groups gnomAD compares: South Asian, 0.0022%; no homozygotes.

Submission:

Ambry Genetics
Classification: Uncertain significance. Last evaluated: 2026-02-24. Review status: criteria provided, single submitter. Criteria: Ambry Variant Classification Scheme 2023. Collection method: clinical testing. Allele origin: germline.
Comment: The p.L198V variant (also known as c.592C>G), located in coding exon 4 of the GEN1 gene, results from a C to G substitution at nucleotide position 592. The leucine at codon 198 is replaced by valine, an amino acid with highly similar properties. This amino acid position is conserved. In addition, the in silico prediction for this alteration is inconclusive. Based on the available evidence, the clinical significance of this variant remains unclear.

NM_001130009.3(GEN1):c.592C>G (p.Leu198Val)

Gene: GEN1 (GEN1 structure-specific endonuclease; plus strand). Cytogenetic location: 2p24.2.
Variant type: single nucleotide variant.
Coding change: c.592C>G on transcript NM_001130009.3 (MANE Select); coding-DNA position 592, C replaced by G.
Protein change: p.Leu198Val; replaces leucine 198 with valine.
Molecular consequence: missense variant.
Genome position (GRCh38, 1-based): chr2:17,766,645, C>G. VCF-style: chr2-17766645-C-G. GRCh37 (hg19) VCF-style: chr2-17947912-C-G.
Other names: c.592C>G, p.Leu198Val (NM_182625.5); short protein forms L198V.
Identifiers: ClinVar variation 4826294 (VCV004826294.1).